The following is an entry in ClinVar:

ClinVar aggregate classification (germline): Uncertain significance (1 of 4 stars; one submission).

Submission:

Labcorp Genetics (formerly Invitae), Labcorp
Classification: Uncertain significance. Last evaluated: 2021-10-11. Review status: criteria provided, single submitter. Criteria: Invitae Variant Classification Sherloc (09022015). Collection method: clinical testing. Allele origin: germline.
Comment: This variant has not been reported in the literature in individuals affected with SAMD11-related conditions. In summary, the available evidence is currently insufficient to determine the role of this variant in disease. Therefore, it has been classified as a Variant of Uncertain Significance. Algorithms developed to predict the effect of missense changes on protein structure and function are either unavailable or do not agree on the potential impact of this missense change (SIFT: "Tolerated"; PolyPhen-2: "Probably Damaging"; Align-GVGD: "Class C0"). This variant is not present in population databases (ExAC no frequency). This sequence change replaces histidine with glutamine at codon 258 of the SAMD11 protein (p.His258Gln). The histidine residue is moderately conserved and there is a small physicochemical difference between histidine and glutamine.

NM_001385641.1(SAMD11):c.1263C>G (p.His421Gln)

Gene: SAMD11 (sterile alpha motif domain containing 11; plus strand). Cytogenetic location: 1p36.33.
Variant type: single nucleotide variant.
Coding change: c.1263C>G on transcript NM_001385641.1 (MANE Select); coding-DNA position 1263, C replaced by G.
Protein change: p.His421Gln; replaces histidine 421 with glutamine.
Molecular consequence: missense variant.
Genome position (GRCh38, 1-based): chr1:941,211, C>G. VCF-style: chr1-941211-C-G. GRCh37 (hg19) VCF-style: chr1-876591-C-G.
Other names: c.1266C>G, p.His422Gln (NM_001385640.1); c.774C>G, p.His258Gln (NM_152486.4); short protein forms H422Q, H258Q, H421Q.
Identifiers: ClinVar variation 1386070 (VCV001386070.6), dbSNP rs2100352030, ClinGen allele CA337803481.